The following is an entry in ClinVar:

ClinVar aggregate classification (germline): Uncertain significance (1 of 4 stars; one submission).

Submission:

GeneDx
Classification: Uncertain significance. Last evaluated: 2024-03-15. Review status: criteria provided, single submitter. Criteria: GeneDx Variant Classification Process June 2021. Collection method: clinical testing. Allele origin: germline. Affected: yes.
Comment: Frameshift variant predicted to result in protein truncation or nonsense mediated decay in a gene or region of a gene for which loss of function is not a well-established mechanism of disease; Not observed at significant frequency in large population cohorts (gnomAD); Has not been previously published as pathogenic or benign to our knowledge

NM_005360.5(MAF):c.716_726dup (p.Gly243fs)

Gene: MAF (MAF bZIP transcription factor; minus strand). Cytogenetic location: 16q23.2.
Variant type: Microsatellite.
Coding change: c.716_726dup on transcript NM_005360.5 (MANE Select); coding-DNA positions 716 to 726, 11 bases duplicated (CGGCGGGGGCG).
Protein change: p.Gly243fs; shifts the reading frame from glycine 243.
Molecular consequence: frameshift variant.
Genome position (GRCh38, 1-based): chr16:79,599,177-79,599,187, CGCCCCCGCCG duplicated on the plus strand (CGGCGGGGGCG on the coding strand, the reverse complement: MAF is on the minus strand); duplicating any 11 consecutive bases within chr16:79,599,177-79,599,199 gives the same sequence; the c. name uses the placement nearest the transcript's 3' end. VCF-style (leftmost placement, unchanged base first): chr16-79599176-C-CCGCCCCCGCCG. GRCh37 (hg19) VCF-style: chr16-79633073-C-CCGCCCCCGCCG.
Other names: c.716_726dup, p.Gly243fs (NM_001031804.3); short protein forms G243fs.
Identifiers: ClinVar variation 3370930 (VCV003370930.1).